The following is an entry in ClinVar:

NM_152490.5(B3GALNT2):c.112+42del

Gene: B3GALNT2 (beta-1,3-N-acetylgalactosaminyltransferase 2; minus strand). Cytogenetic location: 1q42.3.
Variant type: Deletion.
Coding change: c.112+42del on transcript NM_152490.5 (MANE Select); 42 bases into the intron after coding-DNA position 112, one base deleted (G; older notation c.112+42delG).
Molecular consequence: intron variant.
Genome position (GRCh38, 1-based): chr1:235,504,099, C deleted on the plus strand (G on the coding strand, the reverse complement: B3GALNT2 is on the minus strand); the first of 7 consecutive C bases (chr1:235,504,099-235,504,105); deleting any one gives the same sequence. VCF-style (leftmost placement, unchanged base first): chr1-235504098-AC-A. GRCh37 (hg19) VCF-style: chr1-235667398-AC-A.
Other names: c.112+42del (NM_001277155.3).
Identifiers: ClinVar variation 678108 (VCV000678108.1), dbSNP rs149884283, ClinGen allele CA1465031.

ClinVar aggregate classification (germline): Benign (1 of 4 stars; one submission).

Submission:

GeneDx
Classification: Benign. Last evaluated: 2018-06-14. Review status: criteria provided, single submitter. Criteria: GeneDx Variant Classification (06012015). Collection method: clinical testing. Allele origin: germline. Affected: yes.
Comment: This variant is considered likely benign or benign based on one or more of the following criteria: it is a conservative change, it occurs at a poorly conserved position in the protein, it is predicted to be benign by multiple in silico algorithms, and/or has population frequency not consistent with disease.